The following is an entry in ClinVar:

ClinVar aggregate classification (germline): Uncertain significance. Review status: criteria provided, multiple submitters, no conflicts (2 of 4 stars). 2 submissions from 2 submitters: Uncertain significance (2). Last evaluated 2025-11-01.

Conditions:
Inborn genetic diseases. Identifiers: MedGen C0950123, MeSH D030342.

Allele frequency attached by ClinVar (database versions not stated): TOPMed 0.00001.
gnomAD v4.1: 2 of 1,612,200 alleles (0.00012%); highest among the groups gnomAD compares: African/African-American, 0.0013%; no homozygotes.

Submissions (2):

Labcorp Genetics (formerly Invitae), Labcorp
Classification: Uncertain significance. Last evaluated: 2025-11-01. Review status: criteria provided, single submitter. Criteria: Invitae Variant Classification Sherloc (09022015). Collection method: clinical testing. Allele origin: germline.
Comment: This sequence change replaces alanine, which is neutral and non-polar, with threonine, which is neutral and polar, at codon 297 of the DUOX2 protein (p.Ala297Thr). This variant is not present in population databases (gnomAD no frequency). This variant has not been reported in the literature in individuals affected with DUOX2-related conditions. ClinVar contains an entry for this variant (Variation ID: 2777625). Invitae Evidence Modeling of protein sequence and biophysical properties (such as structural, functional, and spatial information, amino acid conservation, physicochemical variation, residue mobility, and thermodynamic stability) indicates that this missense variant is not expected to disrupt DUOX2 protein function with a negative predictive value of 80%. In summary, the available evidence is currently insufficient to determine the role of this variant in disease. Therefore, it has been classified as a Variant of Uncertain Significance.

Ambry Genetics
Classification: Uncertain significance for Inborn genetic diseases. Last evaluated: 2025-08-04. Review status: criteria provided, single submitter. Criteria: Ambry Variant Classification Scheme 2023. Collection method: clinical testing. Allele origin: germline.

NM_001363711.2(DUOX2):c.889G>A (p.Ala297Thr)

Gene: DUOX2 (dual oxidase 2; minus strand). Cytogenetic location: 15q21.1.
Variant type: single nucleotide variant.
Coding change: c.889G>A on transcript NM_001363711.2 (MANE Select); coding-DNA position 889, G replaced by A.
Protein change: p.Ala297Thr; replaces alanine 297 with threonine.
Molecular consequence: missense variant.
Genome position (GRCh38, 1-based): chr15:45,110,704, C>T on the plus strand (G>A on the coding strand, the complement: DUOX2 is on the minus strand). VCF-style: chr15-45110704-C-T. GRCh37 (hg19) VCF-style: chr15-45402902-C-T.
Other names: c.889G>A, p.Ala297Thr (NM_014080.5); c.889G>A (NM_014080.4); short protein forms A297T.
Identifiers: ClinVar variation 2777625 (VCV002777625.4), dbSNP rs755241413, ClinGen allele CA392278314.